The following is an entry in ClinVar:

ClinVar aggregate classification (germline): Uncertain significance (1 of 4 stars; one submission).

Conditions:
Neuronal ceroid lipofuscinosis. Also called: Neuronal Ceroid Lipofuscinoses. Identifiers: Orphanet 216, Orphanet 79263, MedGen C0027877, MONDO:0016295. Disease mechanism: loss of function.

Submission:

Labcorp Genetics (formerly Invitae), Labcorp
Classification: Uncertain significance for Neuronal ceroid lipofuscinosis. Last evaluated: 2022-09-28. Review status: criteria provided, single submitter. Criteria: Invitae Variant Classification Sherloc (09022015). Collection method: clinical testing. Allele origin: germline.
Comment: This variant results in a copy number gain of the genomic region encompassing exon(s) 15-16 of the CLN3 gene. This region includes the termination codon of the gene. This copy number gain extends beyond the assayed region for this gene and therefore may encompass additional genes. As the precise location of this event is unknown, it may be in tandem or it may be located elsewhere in the genome. This variant has not been reported in the literature in individuals affected with CLN3-related conditions. In summary, the available evidence is currently insufficient to determine the role of this variant in disease. Therefore, it has been classified as a Variant of Uncertain Significance.

NC_000016.9:g.(?_28488837)_(28489218_?)dup

Gene: CLN3 (CLN3 lysosomal/endosomal transmembrane protein, battenin; minus strand). Cytogenetic location: 16p11.2.
Variant type: Duplication.
Identifiers: ClinVar variation 2423572 (VCV002423572.3).